The following is an entry in ClinVar:

NM_002103.5(GYS1):c.1085T>C (p.Val362Ala)

Gene: GYS1 (glycogen synthase 1; minus strand). Cytogenetic location: 19q13.33.
Variant type: single nucleotide variant.
Coding change: c.1085T>C on transcript NM_002103.5 (MANE Select); coding-DNA position 1085, T replaced by C.
Protein change: p.Val362Ala; replaces valine 362 with alanine.
Molecular consequence: missense variant. On other transcripts: non-coding transcript variant (1).
Genome position (GRCh38, 1-based): chr19:48,981,614, A>G on the plus strand (T>C on the coding strand, the complement: GYS1 is on the minus strand). VCF-style: chr19-48981614-A-G. GRCh37 (hg19) VCF-style: chr19-49484871-A-G.
Other names: c.893T>C, p.Val298Ala (NM_001161587.2); short protein forms V362A, V298A.
Identifiers: ClinVar variation 1932848 (VCV001932848.5), dbSNP rs2513722052, ClinGen allele CA406763189.

ClinVar aggregate classification (germline): Uncertain significance (1 of 4 stars; one submission).

Conditions:
Glycogen storage disease due to muscle and heart glycogen synthase deficiency. Also called: GSD 0b; MUSCLE GLYCOGEN SYNTHASE DEFICIENCY. Identifiers: Orphanet 137625, MedGen C1969054, MONDO:0012693, OMIM 611556.

Allele frequency attached by ClinVar (database versions not stated): gnomAD exomes below 0.00001.
gnomAD v4.1: 2 of 1,612,414 alleles (0.00012%); highest among the groups gnomAD compares: African/African-American, 0.0027%; no homozygotes.

Submission:

Labcorp Genetics (formerly Invitae), Labcorp
Classification: Uncertain significance for Glycogen storage disease due to muscle and heart glycogen synthase deficiency. Last evaluated: 2022-03-27. Review status: criteria provided, single submitter. Criteria: Invitae Variant Classification Sherloc (09022015). Collection method: clinical testing. Allele origin: germline.
Comment: This sequence change replaces valine, which is neutral and non-polar, with alanine, which is neutral and non-polar, at codon 362 of the GYS1 protein (p.Val362Ala). This variant is not present in population databases (gnomAD no frequency). This variant has not been reported in the literature in individuals affected with GYS1-related conditions. Algorithms developed to predict the effect of missense changes on protein structure and function are either unavailable or do not agree on the potential impact of this missense change (SIFT: "Deleterious"; PolyPhen-2: "Benign"; Align-GVGD: "Class C0"). In summary, the available evidence is currently insufficient to determine the role of this variant in disease. Therefore, it has been classified as a Variant of Uncertain Significance.